The following is an entry in ClinVar:

NM_017662.5(TRPM6):c.5155A>C (p.Met1719Leu)

Gene: TRPM6 (transient receptor potential cation channel subfamily M member 6; minus strand). Cytogenetic location: 9q21.13.
Variant type: single nucleotide variant.
Coding change: c.5155A>C on transcript NM_017662.5 (MANE Select); coding-DNA position 5155, A replaced by C.
Protein change: p.Met1719Leu; replaces methionine 1719 with leucine.
Molecular consequence: missense variant.
Genome position (GRCh38, 1-based): chr9:74,742,606, T>G on the plus strand (A>C on the coding strand, the complement: TRPM6 is on the minus strand). VCF-style: chr9-74742606-T-G. GRCh37 (hg19) VCF-style: chr9-77357522-T-G.
Other names: c.5140A>C, p.Met1714Leu (NM_001177310.2, NM_001177311.2); short protein forms M1719L, M1714L.
Identifiers: ClinVar variation 2719649 (VCV002719649.3), dbSNP rs2489813763, ClinGen allele CA373678103.

ClinVar aggregate classification (germline): Uncertain significance (1 of 4 stars; one submission).

Submission:

Labcorp Genetics (formerly Invitae), Labcorp
Classification: Uncertain significance. Last evaluated: 2023-08-24. Review status: criteria provided, single submitter. Criteria: Invitae Variant Classification Sherloc (09022015). Collection method: clinical testing. Allele origin: germline.
Comment: This variant has not been reported in the literature in individuals affected with TRPM6-related conditions. An algorithm developed to predict the effect of missense changes on protein structure and function (PolyPhen-2) suggests that this variant is likely to be disruptive. In summary, the available evidence is currently insufficient to determine the role of this variant in disease. Therefore, it has been classified as a Variant of Uncertain Significance. This variant is not present in population databases (gnomAD no frequency). This sequence change replaces methionine, which is neutral and non-polar, with leucine, which is neutral and non-polar, at codon 1719 of the TRPM6 protein (p.Met1719Leu).